The following is an entry in ClinVar:

ClinVar aggregate classification (germline): Uncertain significance (1 of 4 stars; one submission).

Conditions:
Dyskeratosis congenita, autosomal dominant 1 (DKCA1). Also called: Dyskeratosis congenita Scoggins type. Identifiers: Orphanet 1775, MedGen C4551974, MONDO:0007485, OMIM 127550. Inheritance: Variable.

Submission:

Labcorp Genetics (formerly Invitae), Labcorp
Classification: Uncertain significance for Dyskeratosis congenita, autosomal dominant 1. Last evaluated: 2022-05-19. Review status: criteria provided, single submitter. Criteria: Invitae Variant Classification Sherloc (09022015). Collection method: clinical testing. Allele origin: germline.
Comment: In summary, the available evidence is currently insufficient to determine the role of this variant in disease. Therefore, it has been classified as a Variant of Uncertain Significance. This variant is located within the BoxH/ACA scaRNA domain of the TERC RNA component, which is required for telomerase activity (PMID: 21844345). This variant has not been reported in the literature in individuals affected with TERC-related conditions. This variant is not present in population databases (gnomAD no frequency). This variant occurs in the TERC gene, which encodes an RNA molecule that does not result in a protein product.

Literature cited by the submitters: PubMed 21844345.

NC_000003.12:g.169764672G>T

Gene: TERC (telomerase RNA component; minus strand). Cytogenetic location: 3q26.2.
Variant type: single nucleotide variant.
Genome position: GRCh38 VCF-style: chr3-169764672-G-T. GRCh37 (hg19) VCF-style: chr3-169482460-G-T.
Identifiers: ClinVar variation 1996529 (VCV001996529.4), dbSNP rs762378141, ClinGen allele CA436714864.